The following is an entry in ClinVar:

ClinVar aggregate classification (germline): Uncertain significance (1 of 4 stars; one submission).

Conditions:
Hypertrophic cardiomyopathy. Also called: HYPERTROPHIC MYOCARDIOPATHY. Identifiers: Orphanet 217569, MedGen C0007194, MeSH D002312, MONDO:0005045, HP:0001639.

Submission:

All of Us Research Program, National Institutes of Health
Classification: Uncertain significance for Hypertrophic cardiomyopathy. Last evaluated: 2024-08-06. Review status: criteria provided, single submitter. Criteria: ACMG Guidelines, 2015. Collection method: clinical testing. Allele origin: germline. Inheritance: Autosomal dominant inheritance. Observed: 1 variant allele, 1 heterozygote.
Comment: This study involves interpretation of variants in research participants for the purpose of population health screening. Participant phenotype was not available at the time of variant classification. Additional details can be found in publication PMID: 35346344, PMCID: PMC8962531

NM_016203.4(PRKAG2):c.1475T>C (p.Ile492Thr)

Gene: PRKAG2 (protein kinase AMP-activated non-catalytic subunit gamma 2; minus strand). Cytogenetic location: 7q36.1.
Variant type: single nucleotide variant.
Coding change: c.1475T>C on transcript NM_016203.4 (MANE Select); coding-DNA position 1475, T replaced by C.
Protein change: p.Ile492Thr; replaces isoleucine 492 with threonine.
Molecular consequence: missense variant.
Genome position (GRCh38, 1-based): chr7:151,564,187, A>G on the plus strand (T>C on the coding strand, the complement: PRKAG2 is on the minus strand). VCF-style: chr7-151564187-A-G. GRCh37 (hg19) VCF-style: chr7-151261273-A-G.
Other names: c.752T>C, p.Ile251Thr (NM_001407034.1, NM_001407035.1, NM_024429.2 and 1 more transcripts); c.749T>C, p.Ile250Thr (NM_001407036.1, NM_001407039.1, NM_001407040.1); c.812T>C, p.Ile271Thr (NM_001407037.1); c.800T>C, p.Ile267Thr (NM_001407038.1); c.1343T>C, p.Ile448Thr (NM_001040633.2, NM_001407024.1); c.1100T>C, p.Ile367Thr (NM_001304527.2, NM_001407029.1); c.1103T>C, p.Ile368Thr (NM_001363698.2, NM_001407028.1); c.1475T>C, p.Ile492Thr (NM_001407021.1); and 6 more; short protein forms I250T, I251T, I267T, I271T, I367T, I368T, I384T, I386T.
Identifiers: ClinVar variation 3387520 (VCV003387520.1).
Genomic context (GRCh38, chr7:151,564,187, plus strand): 5'-TTGCACTTCACAACACCTTCAAAATACTGTGAACGGTGCTGAAGGGCCTGGGTCACCGTG[A>G]TATCTAGGTTATTGTATGTTTTCTCAGCAGCAAGATTCTGTAATGAAGCAAGAGAATAAA-3'
Protein context (NP_057287.2, residues 482-502): AAEKTYNNLD[Ile492Thr]TVTQALQHRS